The following is an entry in ClinVar:

Conditions:
Long QT syndrome 5 (LQT5). Identifiers: Orphanet 101016, Orphanet 768, MedGen C1867904, MONDO:0013372, OMIM 613695.

Submission:

Roden Lab, Vanderbilt University Medical Center
No classification provided (evidence only). Condition: Long QT syndrome 5. Review status: no classification provided. Collection method: in vitro. Allele origin: not applicable. Functional consequence: Effect on ion channel function.
ClinVar note: "not provided" was previously submitted as the classification for the variant. However, the classification appeared to be based only on an observation of functional data so it was converted to no classification on 2025-07-30.

NM_000219.6(KCNE1):c.144C>G (p.Leu48=)

Gene: KCNE1 (potassium voltage-gated channel subfamily E regulatory subunit 1; minus strand). Cytogenetic location: 21q22.12.
Variant type: single nucleotide variant.
Coding change: c.144C>G on transcript NM_000219.6 (MANE Select); coding-DNA position 144, C replaced by G.
Protein change: p.Leu48=; no amino-acid change (leucine 48 retained).
Molecular consequence: synonymous variant.
Genome position (GRCh38, 1-based): chr21:34,449,491, G>C on the plus strand (C>G on the coding strand, the complement: KCNE1 is on the minus strand). VCF-style: chr21-34449491-G-C. GRCh37 (hg19) VCF-style: chr21-35821789-G-C.
Other names: c.144C>G, p.Leu48= (NM_001127668.4, NM_001127669.4, NM_001127670.4 and 4 more transcripts).
Identifiers: ClinVar variation 3374160 (VCV003374160.2).